The following is an entry in ClinVar:

ClinVar aggregate classification (germline): Benign/Likely benign. Review status: criteria provided, multiple submitters, no conflicts (2 of 4 stars). 8 submissions from 8 submitters: Benign (4); Likely benign (4). Last evaluated 2026-01-26.

Conditions:
Melnick-Needles syndrome (MNS). Also called: MELNICK-NEEDLES OSTEODYSPLASTY; OSTEODYSPLASTY OF MELNICK AND NEEDLES; Melnick-Needles Syndrome (FLNA-MNS). Identifiers: Orphanet 2484, MedGen C0025237, MONDO:0010650, OMIM 309350.
Heterotopia, periventricular, X-linked dominant (PVNH1). Also called: PERIVENTRICULAR NODULAR HETEROTOPIA 4; HETEROTOPIA, PERIVENTRICULAR, 1; X-linked periventricular heterotopia; PERIVENTRICULAR NODULAR HETEROTOPIA 1. Identifiers: Orphanet 2149, Orphanet 82004, MedGen C1848213, MONDO:0010233, OMIM 300049.
Frontometaphyseal dysplasia (FMD1). Identifiers: Orphanet 1826, MedGen C0265293, MONDO:0015942.
Oto-palato-digital syndrome, type II (OPD2). Also called: FACIOPALATOOSSEOUS SYNDROME; Otopalatodigital Syndrome, Type II; OPD II SYNDROME; Otopalatodigital Syndrome Type 2 (FLNA-OPD2). Identifiers: Orphanet 669, Orphanet 90652, MedGen C1844696, MONDO:0010571, OMIM 304120.
Familial thoracic aortic aneurysm and aortic dissection (TAAD). Also called: Thoracic aortic aneurysms and dissections. Identifiers: Orphanet 91387, MedGen C4707243, MONDO:0019625.

Allele frequency attached by ClinVar (database versions not stated): ESP Exome Variant Server 0.00019; gnomAD 0.00020; TOPMed 0.00023; gnomAD exomes 0.00028; ExAC 0.00029.
gnomAD v4.1: 237 of 1,209,898 alleles (0.02%); highest among the groups gnomAD compares: Middle Eastern, 0.3%; no homozygotes.

Submissions (8):

Labcorp Genetics (formerly Invitae), Labcorp
Classification: Benign for Oto-palato-digital syndrome, type II; Heterotopia, periventricular, X-linked dominant; Frontometaphyseal dysplasia; Melnick-Needles syndrome. Last evaluated: 2026-01-26. Review status: criteria provided, single submitter. Criteria: Invitae Variant Classification Sherloc (09022015). Collection method: clinical testing. Allele origin: germline.

Mayo Clinic Laboratories, Mayo Clinic
Classification: Likely benign. Last evaluated: 2025-03-31. Review status: criteria provided, single submitter. Criteria: ACMG Guidelines, 2015. Collection method: clinical testing. Allele origin: germline. Observed: 3 variant alleles.
Comment: BS2, BP4, BP7

Blueprint Genetics
Classification: Likely benign. Last evaluated: 2024-11-14. Review status: criteria provided, single submitter. Criteria: ACMG Guidelines, 2015. Collection method: clinical testing. Allele origin: germline.

CeGaT Center for Human Genetics Tuebingen
Classification: Likely benign. Last evaluated: 2024-09-01. Review status: criteria provided, single submitter. Criteria: CeGaT Center For Human Genetics Tuebingen Variant Classification Criteria Version 2. Collection method: clinical testing. Allele origin: germline. Affected: yes. Observed: 2 variant alleles.
Comment: FLNA: BP4, BP7, BS2

Women's Health and Genetics/Laboratory Corporation of America, LabCorp
Classification: Benign. Last evaluated: 2024-01-15. Review status: criteria provided, single submitter. Criteria: LabCorp Variant Classification Summary - May 2015. Collection method: clinical testing. Allele origin: germline.

GeneDx
Classification: Likely benign. Last evaluated: 2020-02-27. Review status: criteria provided, single submitter. Criteria: GeneDx Variant Classification Process June 2021. Collection method: clinical testing. Allele origin: germline. Affected: yes.

Ambry Genetics
Classification: Benign for Familial thoracic aortic aneurysm and aortic dissection. Last evaluated: 2016-08-25. Review status: criteria provided, single submitter. Criteria: Ambry Variant Classification Scheme 2023. Collection method: clinical testing. Allele origin: germline.

Eurofins Ntd Llc (ga)
Classification: Benign. Last evaluated: 2015-05-29. Review status: criteria provided, single submitter. Criteria: EGL Classification Definitions 2015. Collection method: clinical testing. Allele origin: germline. Observed: 1 variant allele, 1 hemizygote.

NM_001110556.2(FLNA):c.732C>T (p.Pro244=)

Gene: FLNA (filamin A; minus strand). Cytogenetic location: Xq28.
Variant type: single nucleotide variant.
Coding change: c.732C>T on transcript NM_001110556.2 (MANE Select); coding-DNA position 732, C replaced by T.
Protein change: p.Pro244=; no amino-acid change (proline 244 retained).
Molecular consequence: synonymous variant.
Genome position (GRCh38, 1-based): chrX:154,367,533, G>A on the plus strand (C>T on the coding strand, the complement: FLNA is on the minus strand). VCF-style: chrX-154367533-G-A. GRCh37 (hg19) VCF-style: chrX-153595901-G-A.
Other names: p.Pro244=; c.732C>T, p.Pro244= (NM_001456.4).
Identifiers: ClinVar variation 197728 (VCV000197728.48), dbSNP rs371092631, ClinGen allele CA203046.
Genomic context (GRCh38, chrX:154,367,533, plus strand): 5'-GAACTGGGACAGGTAGGTCATGACAGAGTGCTCGTCCACGTTGGGGTCCACAATCTCCTC[G>A]GGGGTGATCACCTGTCACAGGCAGAAAACAGGAGCCATCGGGCCTCCGAGTCTCTCCCAA-3'
Protein context (NP_001104026.1, residues 234-254): DWLGIPQVIT[Pro244=]EEIVDPNVDE